The following is an entry in ClinVar:

ClinVar aggregate classification (germline): Likely benign (1 of 4 stars; one submission).

gnomAD v4.1: 5 of 1,614,120 alleles (0.00031%); highest among the groups gnomAD compares: Non-Finnish European, 0.00042%; no homozygotes.

Submission:

CeGaT Center for Human Genetics Tuebingen
Classification: Likely benign. Last evaluated: 2024-05-01. Review status: criteria provided, single submitter. Criteria: CeGaT Center For Human Genetics Tuebingen Variant Classification Criteria Version 2. Collection method: clinical testing. Allele origin: germline. Affected: yes. Observed: 1 variant allele.
Comment: ERCC4: PM2:Supporting, BP4, BP7

NM_005236.3(ERCC4):c.2430G>T (p.Ala810=)

Gene: ERCC4 (ERCC excision repair 4, endonuclease catalytic subunit; plus strand). Cytogenetic location: 16p13.12.
Variant type: single nucleotide variant.
Coding change: c.2430G>T on transcript NM_005236.3 (MANE Select); coding-DNA position 2430, G replaced by T.
Protein change: p.Ala810=; no amino-acid change (alanine 810 retained).
Molecular consequence: synonymous variant.
Genome position (GRCh38, 1-based): chr16:13,948,026, G>T. VCF-style: chr16-13948026-G-T. GRCh37 (hg19) VCF-style: chr16-14041883-G-T.
Identifiers: ClinVar variation 3234522 (VCV003234522.20), dbSNP rs770255135, ClinGen allele CA493690063.